The following is an entry in ClinVar:

ClinVar aggregate classification (germline): Uncertain significance (1 of 4 stars; one submission).

Conditions:
Glycine encephalopathy. Also called: Nonketotic hyperglycinemia; Non-ketotic hyperglycinemia. Identifiers: Orphanet 407, MedGen C0751748, MONDO:0011612, HP:0008288.

Allele frequency attached by ClinVar (database versions not stated): gnomAD exomes below 0.00001.
gnomAD v4.1: 1 of 1,614,098 alleles (0.000062%); highest among the groups gnomAD compares: Non-Finnish European, 0.000085%; no homozygotes.

Submission:

Labcorp Genetics (formerly Invitae), Labcorp
Classification: Uncertain significance for Glycine encephalopathy. Last evaluated: 2022-03-15. Review status: criteria provided, single submitter. Criteria: Invitae Variant Classification Sherloc (09022015). Collection method: clinical testing. Allele origin: germline.
Comment: This sequence change replaces valine, which is neutral and non-polar, with leucine, which is neutral and non-polar, at codon 316 of the AMT protein (p.Val316Leu). This variant is not present in population databases (gnomAD no frequency). This variant has not been reported in the literature in individuals affected with AMT-related conditions. Advanced modeling of protein sequence and biophysical properties (such as structural, functional, and spatial information, amino acid conservation, physicochemical variation, residue mobility, and thermodynamic stability) performed at Invitae indicates that this missense variant is not expected to disrupt AMT protein function. In summary, the available evidence is currently insufficient to determine the role of this variant in disease. Therefore, it has been classified as a Variant of Uncertain Significance.

NM_000481.4(AMT):c.946G>T (p.Val316Leu)

Gene: AMT (aminomethyltransferase; minus strand). Cytogenetic location: 3p21.31.
Variant type: single nucleotide variant.
Coding change: c.946G>T on transcript NM_000481.4 (MANE Select); coding-DNA position 946, G replaced by T.
Protein change: p.Val316Leu; replaces valine 316 with leucine.
Molecular consequence: missense variant. On other transcripts: non-coding transcript variant (1).
Genome position (GRCh38, 1-based): chr3:49,417,905, C>A on the plus strand (G>T on the coding strand, the complement: AMT is on the minus strand). VCF-style: chr3-49417905-C-A. GRCh37 (hg19) VCF-style: chr3-49455338-C-A.
Other names: c.814G>T, p.Val272Leu (NM_001164710.2); c.778G>T, p.Val260Leu (NM_001164711.2); c.946G>T, p.Val316Leu (NM_001164712.2); short protein forms V260L, V272L, V316L.
Identifiers: ClinVar variation 2112428 (VCV002112428.4), dbSNP rs2471146344, ClinGen allele CA352789500.